The following is an entry in ClinVar:

ClinVar aggregate classification (germline): Uncertain significance (1 of 4 stars; one submission).

Conditions:
Mitochondrial DNA depletion syndrome 13. Also called: FBXL4-Related Encephalomyopathic Mitochondrial DNA Depletion Syndrome; Mitochondrial DNA depletion syndrome 13 (encephalomyopathic type). Identifiers: Orphanet 369897, MedGen C3809592, MONDO:0014198, OMIM 615471.

Allele frequency attached by ClinVar (database versions not stated): gnomAD exomes below 0.00001; ExAC 0.00002.
gnomAD v4.1: 2 of 1,614,218 alleles (0.00012%); highest among the groups gnomAD compares: South Asian, 0.0011%; no homozygotes.

Submission:

Wong Mito Lab, Molecular and Human Genetics, Baylor College of Medicine
Classification: Uncertain significance for Mitochondrial DNA depletion syndrome 13. Last evaluated: 2017-08-10. Review status: criteria provided, single submitter. Criteria: ACMG Guidelines, 2015. Collection method: reference population. Allele origin: germline.
Comment: The NM_012160.4:c.167A>G (NP_036292.2:p.Lys56Arg) [GRCH38: NC_000006.12:g.98926822T>C] variant in FBXL4 gene is interpretated to be a Uncertain Significance - Insufficient Evidence based on ACMG guidelines (PMID: 25741868). This variant meets one or more of the following evidence codes reported in the ACMG-guideline. PM2:This variant is absent in key population databases. Based on this evidence code ClinGen Pathogenicity Calculator (PMID:28081714) suggested that the variant is Uncertain Significance - Insufficient Evidence.

NM_001278716.2(FBXL4):c.167A>G (p.Lys56Arg)

Gene: FBXL4 (F-box and leucine rich repeat protein 4; minus strand). Cytogenetic location: 6q16.2.
Variant type: single nucleotide variant.
Coding change: c.167A>G on transcript NM_001278716.2 (MANE Select); coding-DNA position 167, A replaced by G.
Protein change: p.Lys56Arg; replaces lysine 56 with arginine.
Molecular consequence: missense variant. On other transcripts: non-coding transcript variant (2).
Genome position (GRCh38, 1-based): chr6:98,926,822, T>C on the plus strand (A>G on the coding strand, the complement: FBXL4 is on the minus strand). VCF-style: chr6-98926822-T-C. GRCh37 (hg19) VCF-style: chr6-99374698-T-C.
Other names: c.167A>G, p.Lys56Arg (NM_012160.5); short protein forms K56R.
Identifiers: ClinVar variation 437547 (VCV000437547.1), dbSNP rs763205435, ClinGen allele CA3933724.